The following is an entry in ClinVar:

ClinVar aggregate classification (germline): Pathogenic. Review status: criteria provided, multiple submitters, no conflicts (2 of 4 stars). 4 submissions from 4 submitters: Pathogenic (3). 1 of the submissions does not count toward it. Last evaluated 2025-10-27.

Conditions:
Meckel-Gruber syndrome. Also called: Dysencephalia splachnocystica; DYSENCEPHALIA SPLANCHNOCYSTICA; GRUBER SYNDROME. Identifiers: Orphanet 564, MedGen C0265215, MONDO:0018921.
Joubert syndrome. Also called: Familial aplasia of the vermis; JOUBERT-BOLTSHAUSER SYNDROME. Identifiers: Orphanet 475, MedGen C5979921, MONDO:0018772.
CC2D2A-related disorder. Also called: CC2D2A-related disorders; CC2D2A-related condition. Identifiers: MedGen CN239313.
Meckel syndrome, type 6. Identifiers: Orphanet 564, MedGen C2676790, MONDO:0012848, OMIM 612284.

Submissions (4):

Labcorp Genetics (formerly Invitae), Labcorp
Classification: Pathogenic for Joubert syndrome; Meckel-Gruber syndrome. Last evaluated: 2025-10-27. Review status: criteria provided, single submitter. Criteria: Invitae Variant Classification Sherloc (09022015). Collection method: clinical testing. Allele origin: germline.
Comment: This sequence change creates a premature translational stop signal (p.Ile556*) in the CC2D2A gene. It is expected to result in an absent or disrupted protein product. Loss-of-function variants in CC2D2A are known to be pathogenic (PMID: 19777577). This variant is present in population databases (rs773740057, gnomAD 0.0009%). This variant has not been reported in the literature in individuals affected with CC2D2A-related conditions. ClinVar contains an entry for this variant (Variation ID: 596555). For these reasons, this variant has been classified as Pathogenic.

Women's Health and Genetics/Laboratory Corporation of America, LabCorp
Classification: Pathogenic for Meckel syndrome, type 6. Last evaluated: 2024-08-15. Review status: criteria provided, single submitter. Criteria: LabCorp Variant Classification Summary - May 2015. Collection method: clinical testing. Allele origin: germline.
Comment: Variant summary: CC2D2A c.1666delA (p.Ile556X) results in a premature termination codon, predicted to cause a truncation of the encoded protein or absence of the protein due to nonsense mediated decay, which are commonly known mechanisms for disease. The variant allele was found at a frequency of 4e-06 in 248942 control chromosomes. To our knowledge, no occurrence of c.1666delA in individuals affected with Meckel Syndrome Type 6 and no experimental evidence demonstrating its impact on protein function have been reported. ClinVar contains an entry for this variant (Variation ID: 596555). Based on the evidence outlined above, the variant was classified as pathogenic.

Eurofins Ntd Llc (ga)
Classification: Pathogenic. Last evaluated: 2018-03-20. Review status: criteria provided, single submitter. Criteria: EGL ClinVar v180209 classification definitions. Collection method: clinical testing. Allele origin: germline. Observed: 1 variant allele, 1 heterozygote.

PreventionGenetics, part of Exact Sciences
Classification: Pathogenic for CC2D2A-related condition. Last evaluated: 2024-03-16. Review status: no assertion criteria provided. Collection method: clinical testing. Allele origin: germline. Not counted in ClinVar's aggregate classification.
Comment: The CC2D2A c.1666delA variant is predicted to result in premature protein termination (p.Ile556*). This variant has been identified in a carrier screen for autosomal recessive genetic conditions and interpreted as pathogenic (Table S1 Capalbo et al. 2019. PubMed ID: 31589614). To our knowledge this variant has not been reported in individuals with Joubert or Meckel-Gruber syndrome. This variant is reported in 0.00089% of alleles in individuals of European (Non-Finnish) descent in gnomAD. Truncating variants in CC2D2A are expected to be pathogenic. This variant is interpreted as pathogenic.

Literature cited by the submitters: PubMed 19777577 (cited by Labcorp Genetics (formerly Invitae), Labcorp).

NM_001378615.1(CC2D2A):c.1666del (p.Glu555_Ile556insTer)

Genes: CC2D2A (coiled-coil and C2 domain containing 2A; plus strand), FBXL5 (F-box and leucine rich repeat protein 5; minus strand). Cytogenetic location: 4p15.32.
Variant type: Deletion.
Coding change: c.1666del on transcript NM_001378615.1 (MANE Select); coding-DNA position 1666, one base deleted (A; older notation c.1666delA).
Protein change: p.Glu555_Ile556insTer.
Molecular consequence: nonsense.
Genome position (GRCh38, 1-based): chr4:15,536,978, A deleted; the last of 3 consecutive A bases (chr4:15,536,976-15,536,978); deleting any one gives the same sequence. VCF-style (leftmost placement, unchanged base first): chr4-15536975-GA-G. GRCh37 (hg19) VCF-style: chr4-15538598-GA-G.
Other names: c.1666del, p.Glu555_Ile556insTer (NM_001080522.2); c.1519del, p.Glu506_Ile507insTer (NM_001378617.1); c.1666delA (NM_001080522.2).
Identifiers: ClinVar variation 596555 (VCV000596555.10), dbSNP rs773740057, ClinGen allele CA2863728.
Genomic context (GRCh38, chr4:15,536,975, plus strand): 5'-TAAAGGGAAAAAGCTGACCAGAAAGCAGATGAAGAAGCATATGAAGCAGAAATTCAAGCT[GA>G]AATAAGTGAACTGTTAGAAGAGCACACGGAGGAGTACGCACAGAAGATGGAAGAATACAG-3'